The following is an entry in ClinVar:

NM_032444.4(SLX4):c.2944G>T (p.Asp982Tyr)

Gene: SLX4 (SLX4 structure-specific endonuclease subunit; minus strand). Cytogenetic location: 16p13.3.
Variant type: single nucleotide variant.
Coding change: c.2944G>T on transcript NM_032444.4 (MANE Select); coding-DNA position 2944, G replaced by T.
Protein change: p.Asp982Tyr; replaces aspartic acid 982 with tyrosine.
Molecular consequence: missense variant.
Genome position (GRCh38, 1-based): chr16:3,590,694, C>A on the plus strand (G>T on the coding strand, the complement: SLX4 is on the minus strand). VCF-style: chr16-3590694-C-A. GRCh37 (hg19) VCF-style: chr16-3640695-C-A.
Other names: c.2944G>T (LRG_503t1); short protein forms D982Y.
Identifiers: ClinVar variation 407939 (VCV000407939.8), dbSNP rs753733757, ClinGen allele CA16615166.

ClinVar aggregate classification (germline): Uncertain significance (1 of 4 stars; one submission).

Conditions:
Fanconi anemia complementation group P. Also called: SLX4-Related Fanconi Anemia. Identifiers: Orphanet 84, MedGen C3469542, MONDO:0013499, OMIM 613951.
Fanconi anemia (FA). Also called: Fanconi's anemia. Identifiers: Orphanet 84, MedGen C0015625, MeSH D005199, MONDO:0019391.

Allele frequency attached by ClinVar (database versions not stated): TOPMed below 0.00001.
gnomAD v4.1: 34 of 1,614,198 alleles (0.0021%); highest among the groups gnomAD compares: Non-Finnish European, 0.0029%; no homozygotes.

Submission:

Labcorp Genetics (formerly Invitae), Labcorp
Classification: Uncertain significance for Fanconi anemia. Last evaluated: 2022-10-17. Review status: criteria provided, single submitter. Criteria: Invitae Variant Classification Sherloc (09022015). Collection method: clinical testing. Allele origin: germline.
Comment: This sequence change replaces aspartic acid, which is acidic and polar, with tyrosine, which is neutral and polar, at codon 982 of the SLX4 protein (p.Asp982Tyr). This variant is not present in population databases (gnomAD no frequency). This variant has not been reported in the literature in individuals affected with SLX4-related conditions. ClinVar contains an entry for this variant (Variation ID: 407939). Algorithms developed to predict the effect of missense changes on protein structure and function are either unavailable or do not agree on the potential impact of this missense change (SIFT: "Tolerated"; PolyPhen-2: "Possibly Damaging"; Align-GVGD: "Class C0"). In summary, the available evidence is currently insufficient to determine the role of this variant in disease. Therefore, it has been classified as a Variant of Uncertain Significance.